The following is an entry in ClinVar:

ClinVar aggregate classification (germline): Uncertain significance (1 of 4 stars; one submission).

Allele frequency attached by ClinVar (database versions not stated): gnomAD exomes 0.00001.
gnomAD v4.1: 3 of 1,614,014 alleles (0.00019%); highest among the groups gnomAD compares: Non-Finnish European, 0.00025%; no homozygotes.

Submission:

Labcorp Genetics (formerly Invitae), Labcorp
Classification: Uncertain significance. Last evaluated: 2020-02-03. Review status: criteria provided, single submitter. Criteria: Invitae Variant Classification Sherloc (09022015). Collection method: clinical testing. Allele origin: germline.
Comment: In summary, the available evidence is currently insufficient to determine the role of this variant in disease. Therefore, it has been classified as a Variant of Uncertain Significance. Algorithms developed to predict the effect of missense changes on protein structure and function are either unavailable or do not agree on the potential impact of this missense change (SIFT: "Tolerated"; PolyPhen-2: "Possibly Damaging"; Align-GVGD: "Class C0"). This variant has not been reported in the literature in individuals with CNGB1-related conditions. This variant is not present in population databases (ExAC no frequency). This sequence change replaces threonine with proline at codon 291 of the CNGB1 protein (p.Thr291Pro). The threonine residue is weakly conserved and there is a small physicochemical difference between threonine and proline.

NM_001297.5(CNGB1):c.871A>C (p.Thr291Pro)

Gene: CNGB1 (cyclic nucleotide gated channel subunit beta 1; minus strand). Cytogenetic location: 16q21.
Variant type: single nucleotide variant.
Coding change: c.871A>C on transcript NM_001297.5 (MANE Select); coding-DNA position 871, A replaced by C.
Protein change: p.Thr291Pro; replaces threonine 291 with proline.
Molecular consequence: missense variant.
Genome position (GRCh38, 1-based): chr16:57,957,344, T>G on the plus strand (A>C on the coding strand, the complement: CNGB1 is on the minus strand). VCF-style: chr16-57957344-T-G. GRCh37 (hg19) VCF-style: chr16-57991248-T-G.
Other names: c.871A>C, p.Thr291Pro (NM_001135639.2); c.853A>C, p.Thr285Pro (NM_001286130.2); short protein forms T285P, T291P.
Identifiers: ClinVar variation 936490 (VCV000936490.8), dbSNP rs1962115240, ClinGen allele CA396076390.